The following is an entry in ClinVar:

NM_001035.3(RYR2):c.13796T>C (p.Ile4599Thr)

Gene: RYR2 (ryanodine receptor 2; plus strand). Cytogenetic location: 1q43.
Variant type: single nucleotide variant.
Coding change: c.13796T>C on transcript NM_001035.3 (MANE Select); coding-DNA position 13796, T replaced by C.
Protein change: p.Ile4599Thr; replaces isoleucine 4599 with threonine.
Molecular consequence: missense variant.
Genome position (GRCh38, 1-based): chr1:237,793,880, T>C. VCF-style: chr1-237793880-T-C. GRCh37 (hg19) VCF-style: chr1-237957180-T-C.
Other names: short protein forms I4599T.
Identifiers: ClinVar variation 4857286 (VCV004857286.1).

ClinVar aggregate classification (germline): Uncertain significance (1 of 4 stars; one submission).

Conditions:
Catecholaminergic polymorphic ventricular tachycardia 1. Also called: VENTRICULAR TACHYCARDIA, CATECHOLAMINERGIC POLYMORPHIC, 1, WITH OR WITHOUT ATRIAL DYSFUNCTION AND/OR DILATED CARDIOMYOPATHY; RYR2-Related Catecholaminergic Polymorphic Ventricular Tachycardia; VENTRICULAR TACHYCARDIA, STRESS-INDUCED POLYMORPHIC 1. Identifiers: Orphanet 3286, MedGen C1631597, MONDO:0011484, OMIM 604772.

Submission:

MVZ Medizinische Genetik Mainz
Classification: Uncertain significance for Catecholaminergic polymorphic ventricular tachycardia 1. Last evaluated: 2026-05-07. Review status: criteria provided, single submitter. Criteria: UK Practice Guidelines For Variant Classification V4 01 2020. Collection method: clinical testing. Allele origin: germline. Inheritance: Autosomal dominant inheritance. Affected: yes. Observed: 1 variant allele.
Comment: ACMG Criteria: PM2_SUP_MOD,PP3_MOD,PP2